The following is an entry in ClinVar:

ClinVar aggregate classification (germline): Uncertain significance (1 of 4 stars; one submission).

Conditions:
Muscular dystrophy-dystroglycanopathy (congenital with brain and eye anomalies), type A9. Also called: WALKER-WARBURG SYNDROME OR MUSCLE-EYE BRAIN DISEASE, DAG1-RELATED; Muscular dystrophy-dystroglycanopathy (congenital with brain and eye anomalies), type a, 9. Identifiers: Orphanet 370997, Orphanet 899, MedGen C4225291, MONDO:0014683, OMIM 616538.
Autosomal recessive limb-girdle muscular dystrophy type 2P. Also called: MUSCULAR DYSTROPHY-DYSTROGLYCANOPATHY, LIMB-GIRDLE, DAG1-RELATED; Limb-Girdle Muscular Dystrophy Type 9C; MUSCULAR DYSTROPHY, LIMB-GIRDLE, TYPE 2P. Identifiers: Orphanet 280333, MedGen C4511963, MONDO:0013440, OMIM 613818.

gnomAD v4.1: 1 of 1,614,186 alleles (0.000062%); no homozygotes.

Submission:

Labcorp Genetics (formerly Invitae), Labcorp
Classification: Uncertain significance for Autosomal recessive limb-girdle muscular dystrophy type 2P; Muscular dystrophy-dystroglycanopathy (congenital with brain and eye anomalies), type A9. Last evaluated: 2022-08-15. Review status: criteria provided, single submitter. Criteria: Invitae Variant Classification Sherloc (09022015). Collection method: clinical testing. Allele origin: germline.
Comment: This sequence change replaces threonine, which is neutral and polar, with isoleucine, which is neutral and non-polar, at codon 203 of the DAG1 protein (p.Thr203Ile). This variant is not present in population databases (gnomAD no frequency). This variant has not been reported in the literature in individuals affected with DAG1-related conditions. ClinVar contains an entry for this variant (Variation ID: 1487960). Algorithms developed to predict the effect of missense changes on protein structure and function (SIFT, PolyPhen-2, Align-GVGD) all suggest that this variant is likely to be tolerated. In summary, the available evidence is currently insufficient to determine the role of this variant in disease. Therefore, it has been classified as a Variant of Uncertain Significance.

NM_004393.6(DAG1):c.608C>T (p.Thr203Ile)

Gene: DAG1 (dystroglycan 1; plus strand). Cytogenetic location: 3p21.31.
Variant type: single nucleotide variant.
Coding change: c.608C>T on transcript NM_004393.6 (MANE Select); coding-DNA position 608, C replaced by T.
Protein change: p.Thr203Ile; replaces threonine 203 with isoleucine.
Molecular consequence: missense variant.
Genome position (GRCh38, 1-based): chr3:49,531,119, C>T. VCF-style: chr3-49531119-C-T. GRCh37 (hg19) VCF-style: chr3-49568552-C-T.
Other names: c.608C>T, p.Thr203Ile (NM_001165928.4, NM_001177634.3, NM_001177635.3 and 9 more transcripts); short protein forms T203I.
Identifiers: ClinVar variation 1487960 (VCV001487960.3), dbSNP rs2107926551, ClinGen allele CA352793684.